The following is an entry in ClinVar:

NM_000090.4(COL3A1):c.3417+2T>C

Gene: COL3A1 (collagen type III alpha 1 chain; plus strand). Cytogenetic location: 2q32.2.
Variant type: single nucleotide variant.
Coding change: c.3417+2T>C on transcript NM_000090.4 (MANE Select); the canonical splice donor site of the intron after coding-DNA position 3417, T replaced by C.
Molecular consequence: splice donor variant.
Genome position (GRCh38, 1-based): chr2:189,007,940, T>C. VCF-style: chr2-189007940-T-C. GRCh37 (hg19) VCF-style: chr2-189872666-T-C.
Identifiers: ClinVar variation 2912039 (VCV002912039.3), dbSNP rs2469163132, ClinGen allele CA349846245.

ClinVar aggregate classification (germline): Pathogenic (1 of 4 stars; one submission).

Conditions:
Ehlers-Danlos syndrome, type 4 (EDSVASC). Also called: Ehlers-Danlos syndrome vascular type; Ehlers Danlos syndrome, ecchymotic type; Ehlers Danlos syndrome, arterial type; Ehlers Danlos syndrome, Sack-Barabas type; Ehlers-Danlos Syndrome Type IV. Identifiers: Orphanet 286, MedGen C0268338, MONDO:0017314, OMIM 130050.

Submission:

Labcorp Genetics (formerly Invitae), Labcorp
Classification: Pathogenic for Ehlers-Danlos syndrome, type 4. Last evaluated: 2023-08-02. Review status: criteria provided, single submitter. Criteria: Invitae Variant Classification Sherloc (09022015). Collection method: clinical testing. Allele origin: germline.
Comment: Algorithms developed to predict the effect of sequence changes on RNA splicing suggest that this variant may disrupt the consensus splice site. For these reasons, this variant has been classified as Pathogenic. This sequence change affects a donor splice site in intron 46 of the COL3A1 gene. It is expected to disrupt RNA splicing. Variants that disrupt the donor or acceptor splice site typically lead to a loss of protein function (PMID: 16199547), and loss-of-function variants in COL3A1 are known to be pathogenic (PMID: 24922459). This variant is not present in population databases (gnomAD no frequency). Disruption of this splice site has been observed in individuals with clinical features of Ehlers-Danlos syndrome (PMID: 22019127, 24922459; Invitae).

Literature cited by the submitters: PubMed 16199547; PubMed 24922459; PubMed 22019127.